The following is an entry in ClinVar:

NM_000179.3(MSH6):c.1045C>T (p.Gln349Ter)

Gene: MSH6 (mutS homolog 6; plus strand). Cytogenetic location: 2p16.3.
Variant type: single nucleotide variant.
Coding change: c.1045C>T on transcript NM_000179.3 (MANE Select); coding-DNA position 1045, C replaced by T.
Protein change: p.Gln349Ter; replaces glutamine 349 with a stop codon.
Molecular consequence: nonsense.
Genome position (GRCh38, 1-based): chr2:47,799,028, C>T. VCF-style: chr2-47799028-C-T. GRCh37 (hg19) VCF-style: chr2-48026167-C-T.
Other names: c.655C>T, p.Gln219Ter (NM_001281492.2); c.139C>T, p.Gln47Ter (NM_001281493.2, NM_001281494.2); short protein forms Q349*, Q219*, Q47*.
Identifiers: ClinVar variation 216042 (VCV000216042.19), dbSNP rs863224473, ClinGen allele CA336780.

ClinVar aggregate classification (germline): Pathogenic/Likely pathogenic. Review status: criteria provided, multiple submitters, no conflicts (2 of 4 stars). 6 submissions from 6 submitters: Pathogenic (5); Likely pathogenic (1). Last evaluated 2024-03-12.

Conditions:
Hereditary nonpolyposis colorectal neoplasms. Identifiers: MedGen C0009405, MeSH D003123.
Hereditary cancer-predisposing syndrome. Also called: Hereditary Cancer Syndrome; Hereditary neoplastic syndrome; Neoplastic Syndromes, Hereditary; Tumor predisposition. Identifiers: Orphanet 140162, MedGen C0027672, MeSH D009386, MONDO:0015356.
Lynch syndrome 5 (LYNCH5). Also called: Hereditary non-polyposis colorectal cancer, type 5; Colorectal cancer, hereditary nonpolyposis, type 5. Identifiers: Orphanet 144, MedGen C1833477, MONDO:0013710, OMIM 614350. Disease mechanism: loss of function.

Submissions (6):

Labcorp Genetics (formerly Invitae), Labcorp
Classification: Pathogenic for Hereditary nonpolyposis colorectal neoplasms. Last evaluated: 2024-03-12. Review status: criteria provided, single submitter. Criteria: Invitae Variant Classification Sherloc (09022015). Collection method: clinical testing. Allele origin: germline.
Comment: This sequence change creates a premature translational stop signal (p.Gln349*) in the MSH6 gene. It is expected to result in an absent or disrupted protein product. Loss-of-function variants in MSH6 are known to be pathogenic (PMID: 18269114, 24362816). This variant is not present in population databases (gnomAD no frequency). This variant has not been reported in the literature in individuals affected with MSH6-related conditions. ClinVar contains an entry for this variant (Variation ID: 216042). For these reasons, this variant has been classified as Pathogenic.

Quest Diagnostics Nichols Institute San Juan Capistrano
Classification: Likely pathogenic. Last evaluated: 2024-01-09. Review status: criteria provided, single submitter. Criteria: Quest Diagnostics criteria. Collection method: clinical testing. Allele origin: unknown.
Comment: The MSH6 c.1045C>T (p.Gln349*) variant is predicted to cause the premature termination of MSH6 protein synthesis. This variant has not been reported in individuals with MSH6-related conditions in the published literature. This variant has not been reported in large, multi-ethnic general populations (Genome Aggregation Database). Based on the available information, this variant is classified as likely pathogenic.

ARUP Laboratories, Molecular Genetics and Genomics, ARUP Laboratories
Classification: Pathogenic. Last evaluated: 2023-10-06. Review status: criteria provided, single submitter. Criteria: ARUP Molecular Germline Variant Investigation Process 2024. Collection method: clinical testing. Allele origin: germline.
Comment: The MSH6 c.1045C>T; p.Gln349Ter variant (rs863224473), to our knowledge, is not reported in the medical literature but is reported in ClinVar (Variation ID: 216042). This variant is absent from the Genome Aggregation Database, indicating it is not a common polymorphism. This variant induces an early termination codon and is predicted to result in a truncated protein or mRNA subject to nonsense-mediated decay. Based on available information, this variant is considered to be pathogenic.

Myriad Genetics, Inc.
Classification: Pathogenic for Lynch syndrome 5. Last evaluated: 2023-08-11. Review status: criteria provided, single submitter. Criteria: Myriad Autosomal Dominant, Autosomal Recessive and X-Linked Classification Criteria (2023). Collection method: clinical testing. Allele origin: unknown.
Comment: This variant is considered pathogenic. This variant creates a termination codon and is predicted to result in premature protein truncation.

Ambry Genetics
Classification: Pathogenic for Hereditary cancer-predisposing syndrome. Last evaluated: 2023-02-27. Review status: criteria provided, single submitter. Criteria: Ambry Variant Classification Scheme 2023. Collection method: clinical testing. Allele origin: germline.
Comment: The p.Q349* pathogenic mutation (also known as c.1045C>T), located in coding exon 4 of the MSH6 gene, results from a C to T substitution at nucleotide position 1045. This changes the amino acid from a glutamine to a stop codon within coding exon 4. This variant is considered to be rare based on population cohorts in the Genome Aggregation Database (gnomAD). This alteration is expected to result in loss of function by premature protein truncation or nonsense-mediated mRNA decay. As such, this alteration is interpreted as a disease-causing mutation.

Revvity Omics, Revvity
Classification: Pathogenic. Last evaluated: 2019-05-09. Review status: criteria provided, single submitter. Criteria: ACMG Guidelines, 2015. Collection method: clinical testing. Allele origin: germline.

Literature cited by the submitters: PubMed 18269114 (cited by Labcorp Genetics (formerly Invitae), Labcorp); PubMed 24362816 (cited by Labcorp Genetics (formerly Invitae), Labcorp); PubMed 25801821 (cited by Quest Diagnostics Nichols Institute San Juan Capistrano).